The following is an entry in ClinVar:

NM_144596.4(TTC8):c.170C>T (p.Ala57Val)

Gene: TTC8 (tetratricopeptide repeat domain 8; plus strand). Cytogenetic location: 14q31.3.
Variant type: single nucleotide variant.
Coding change: c.170C>T on transcript NM_144596.4 (MANE Select); coding-DNA position 170, C replaced by T.
Protein change: p.Ala57Val; replaces alanine 57 with valine.
Molecular consequence: missense variant. On other transcripts: 5 prime UTR variant (2), non-coding transcript variant (1).
Genome position (GRCh38, 1-based): chr14:88,839,477, C>T. VCF-style: chr14-88839477-C-T. GRCh37 (hg19) VCF-style: chr14-89305821-C-T.
Other names: c.140C>T (NM_198309.2); c.140C>T, p.Ala47Val (NM_001288781.1, NM_001366535.2, NM_001366536.2 and 2 more transcripts); c.-423C>T (NM_001288782.1); c.-518C>T (NM_001288783.1); short protein forms A47V, A57V.
Identifiers: ClinVar variation 3036120 (VCV003036120.5), dbSNP rs771260033, ClinGen allele CA7302384.

ClinVar aggregate classification (germline): Uncertain significance. Review status: criteria provided, multiple submitters, no conflicts (2 of 4 stars). 4 submissions from 4 submitters: Uncertain significance (3). 1 of the submissions does not count toward it. Last evaluated 2025-10-29.

Conditions:
Inborn genetic diseases. Identifiers: MedGen C0950123, MeSH D030342.
TTC8-related disorder. Also called: TTC8-related condition.
Retinitis pigmentosa 51 (RP51). Identifiers: Orphanet 791, MedGen C3150715, MONDO:0013274, OMIM 613464.
Bardet-Biedl syndrome 8 (BBS8). Identifiers: Orphanet 110, MedGen C1859566, MONDO:0014436, OMIM 615985.

Allele frequency attached by ClinVar (database versions not stated): ExAC 0.00001; TOPMed 0.00001.

Submissions (4):

Ambry Genetics
Classification: Uncertain significance for Inborn genetic diseases. Last evaluated: 2025-10-29. Review status: criteria provided, single submitter. Criteria: Ambry Variant Classification Scheme 2023. Collection method: clinical testing. Allele origin: germline.

Fulgent Genetics
Classification: Uncertain significance for Retinitis pigmentosa 51; Bardet-Biedl syndrome 8. Last evaluated: 2024-05-10. Review status: criteria provided, single submitter. Criteria: ACMG Guidelines, 2015. Collection method: clinical testing. Allele origin: germline.

Blueprint Genetics
Classification: Uncertain significance. Last evaluated: 2023-03-27. Review status: criteria provided, single submitter. Criteria: ACMG Guidelines, 2015. Collection method: clinical testing. Allele origin: germline.

PreventionGenetics, part of Exact Sciences
Classification: Uncertain significance for TTC8-related condition. Last evaluated: 2023-12-20. Review status: no assertion criteria provided. Collection method: clinical testing. Allele origin: germline. Not counted in ClinVar's aggregate classification.
Comment: The TTC8 c.170C>T variant is predicted to result in the amino acid substitution p.Ala57Val. To our knowledge, this variant has not been reported in the literature. This variant is reported in 0.0065% of alleles in individuals of South Asian descent in gnomAD. At this time, the clinical significance of this variant is uncertain due to the absence of conclusive functional and genetic evidence.